The following is an entry in ClinVar:

NM_003640.5(ELP1):c.1136G>A (p.Arg379Gln)

Gene: ELP1 (elongator acetyltransferase complex subunit 1; minus strand). Cytogenetic location: 9q31.3.
Variant type: single nucleotide variant.
Coding change: c.1136G>A on transcript NM_003640.5 (MANE Select); coding-DNA position 1136, G replaced by A.
Protein change: p.Arg379Gln; replaces arginine 379 with glutamine.
Molecular consequence: missense variant.
Genome position (GRCh38, 1-based): chr9:108,912,317, C>T on the plus strand (G>A on the coding strand, the complement: ELP1 is on the minus strand). VCF-style: chr9-108912317-C-T. GRCh37 (hg19) VCF-style: chr9-111674597-C-T.
Other names: p.Arg379Gln; c.794G>A, p.Arg265Gln (NM_001318360.2); c.89G>A, p.Arg30Gln (NM_001330749.2); short protein forms R265Q, R379Q, R30Q.
Identifiers: ClinVar variation 1898606 (VCV001898606.5), dbSNP rs762459195, ClinGen allele CA5175111.

ClinVar aggregate classification (germline): Uncertain significance. Review status: criteria provided, multiple submitters, no conflicts (2 of 4 stars). 3 submissions from 3 submitters: Uncertain significance (3). Last evaluated 2025-11-06.

Allele frequency attached by ClinVar (database versions not stated): gnomAD 0.00005; ExAC 0.00011; TOPMed 0.00002.
gnomAD v4.1: 43 of 1,614,056 alleles (0.0027%); highest among the groups gnomAD compares: Non-Finnish European, 0.0034%; no homozygotes.

Submissions (3):

Ambry Genetics
Classification: Uncertain significance. Last evaluated: 2025-11-06. Review status: criteria provided, single submitter. Criteria: Ambry Variant Classification Scheme 2023. Collection method: clinical testing. Allele origin: germline.

Mayo Clinic Laboratories, Mayo Clinic
Classification: Uncertain significance. Last evaluated: 2025-07-16. Review status: criteria provided, single submitter. Criteria: ACMG Guidelines, 2015. Collection method: clinical testing. Allele origin: germline. Observed: 2 variant alleles.
Comment: BP4, PM2_supporting

Labcorp Genetics (formerly Invitae), Labcorp
Classification: Uncertain significance. Last evaluated: 2021-09-17. Review status: criteria provided, single submitter. Criteria: Invitae Variant Classification Sherloc (09022015). Collection method: clinical testing. Allele origin: germline.
Comment: This sequence change replaces arginine with glutamine at codon 379 of the ELP1 protein (p.Arg379Gln). The arginine residue is moderately conserved and there is a small physicochemical difference between arginine and glutamine. This variant is present in population databases (rs762459195, ExAC 0.02%). This variant has not been reported in the literature in individuals with ELP1-related conditions. Algorithms developed to predict the effect of missense changes on protein structure and function are either unavailable or do not agree on the potential impact of this missense change (SIFT: "Tolerated"; PolyPhen-2: "Probably Damaging"; Align-GVGD: "Class C0"). In summary, the available evidence is currently insufficient to determine the role of this variant in disease. Therefore, it has been classified as a Variant of Uncertain Significance.